The following is an entry in ClinVar:

ClinVar aggregate classification (germline): Uncertain significance (1 of 4 stars; one submission).

Conditions:
Hereditary cancer-predisposing syndrome. Also called: Neoplastic Syndromes, Hereditary; Tumor predisposition; Hereditary neoplastic syndrome; Hereditary Cancer Syndrome. Identifiers: Orphanet 140162, MedGen C0027672, MeSH D009386, MONDO:0015356.

Submission:

Ambry Genetics
Classification: Uncertain significance for Hereditary cancer-predisposing syndrome. Last evaluated: 2026-07-06. Review status: criteria provided, single submitter. Criteria: Ambry Variant Classification Scheme 2023. Collection method: clinical testing. Allele origin: germline.
Comment: The p.R115S variant (also known as c.345G>C), located in coding exon 2 of the PHOX2B gene, results from a G to C substitution at nucleotide position 345. The arginine at codon 115 is replaced by serine, an amino acid with dissimilar properties. This amino acid position is conserved. In addition, the in silico prediction for this alteration is inconclusive. Based on the available evidence, the clinical significance of this variant remains unclear.

NM_003924.4(PHOX2B):c.345G>C (p.Arg115Ser)

Gene: PHOX2B (paired like homeobox 2B; minus strand). Cytogenetic location: 4p13.
Variant type: single nucleotide variant.
Coding change: c.345G>C on transcript NM_003924.4 (MANE Select); coding-DNA position 345, G replaced by C.
Protein change: p.Arg115Ser; replaces arginine 115 with serine.
Molecular consequence: missense variant.
Genome position (GRCh38, 1-based): chr4:41,747,433, C>G on the plus strand (G>C on the coding strand, the complement: PHOX2B is on the minus strand). VCF-style: chr4-41747433-C-G. GRCh37 (hg19) VCF-style: chr4-41749450-C-G.
Other names: short protein forms R115S.
Identifiers: ClinVar variation 5026532 (VCV005026532.1).
Genomic context (GRCh38, chr4:41,747,433, plus strand): 5'-GATCTTCAGGGCCAGCTCCTCCCGAGTGTAGATGTCGGGGTAGTGAGTCTCCGCGAAGAC[C>G]CTTTCCAGCTCTTTGAGCTGGGCACTGGTGAAAGTGGTGCGGATGCGCCGCTGCTTGCGC-3'
Protein context (NP_003915.2, residues 105-125): FTSAQLKELE[Arg115Ser]VFAETHYPDI